The following is an entry in ClinVar:

NC_000007.13:g.(?_6414157)_(6414402_6426842)dup

Gene: RAC1 (Rac family small GTPase 1; plus strand). Cytogenetic location: 7p22.1.
Variant type: Duplication.
Identifiers: ClinVar variation 3768584 (VCV003768584.1).

ClinVar aggregate classification (germline): Uncertain significance (1 of 4 stars; one submission).

Submission:

Women's Health and Genetics/Laboratory Corporation of America, LabCorp
Classification: Uncertain significance. Last evaluated: 2025-02-12. Review status: criteria provided, single submitter. Criteria: LabCorp Variant Classification Summary - May 2015. Collection method: clinical testing. Allele origin: germline.
Comment: Variant summary: The variant involves the duplication of exon 1 in the RAC1 gene. A presumed nomenclature of c.(?_-210)_(35+1_36-1)dup has been designated for the purposes of this classification. The exact breakpoint at the 5' end of this variant is unknown, therefore this duplication may extend upstream of the annotated region of this gene. It is predicted to duplicate a segment including the initiation codon, therefore its impact on the encoded protein is unknown. A similar duplication has been found at a frequency of 9.2e-05 in 21694 control chromosomes in the gnomAD database (Structural Variants v2.1 dataset). The available data on variant occurrences in the general population are insufficient to allow any conclusion about variant significance. To our knowledge, no occurrence duplication of exon 1 in individuals affected with intellectual disability, autosomal dominant 48 and no experimental evidence demonstrating its impact on protein function have been reported. No submitters have cited clinical-significance assessments for this variant to ClinVar. Based on the evidence outlined above, the variant was classified as uncertain significance.